The following is an entry in ClinVar:

NM_001009944.3(PKD1):c.7271C>T (p.Thr2424Met)

Gene: PKD1 (polycystin 1, transient receptor potential channel interacting; minus strand). Cytogenetic location: 16p13.3.
Variant type: single nucleotide variant.
Coding change: c.7271C>T on transcript NM_001009944.3 (MANE Select); coding-DNA position 7271, C replaced by T.
Protein change: p.Thr2424Met; replaces threonine 2424 with methionine.
Molecular consequence: missense variant.
Genome position (GRCh38, 1-based): chr16:2,106,616, G>A on the plus strand (C>T on the coding strand, the complement: PKD1 is on the minus strand). VCF-style: chr16-2106616-G-A. GRCh37 (hg19) VCF-style: chr16-2156617-G-A.
Other names: c.7271C>T, p.Thr2424Met (NM_000296.4); short protein forms T2424M.
Identifiers: ClinVar variation 1254605 (VCV001254605.22), dbSNP rs1367567191, ClinGen allele CA394370500.

ClinVar aggregate classification (germline): Conflicting classifications of pathogenicity. Review status: criteria provided, conflicting classifications (1 of 4 stars). 9 submissions from 9 submitters: Likely pathogenic (4); Uncertain significance (5). Last evaluated 2026-08-31.

Conditions:
PKD1-related disorder. Also called: PKD1-related condition.
Polycystic kidney disease, adult type (PKD1). Also called: Polycystic Kidney, Autosomal Dominant; Polycystic Kidney Disease 1, Autosomal Dominant; Polycystic kidney disease 1; Polycystic kidney disease 1, severe; POLYCYSTIC KIDNEY DISEASE, ADULT, TYPE I; POLYCYSTIC KIDNEY DISEASE 1 WITH OR WITHOUT POLYCYSTIC LIVER DISEASE. Identifiers: MedGen C3149841, MONDO:0008263, OMIM 173900.
Cystic renal disease.

Allele frequency attached by ClinVar (database versions not stated): gnomAD exomes 0.00001.
gnomAD v4.1: 10 of 1,598,052 alleles (0.00063%); highest among the groups gnomAD compares: East Asian, 0.0022%; no homozygotes.

Submissions (9):

GeneDx
Classification: Uncertain significance. Last evaluated: 2026-08-31. Review status: criteria provided, single submitter. Criteria: GeneDx Variant Classification Process June 2021. Collection method: clinical testing. Allele origin: germline.
Comment: Not observed at significant frequency in large population cohorts (gnomAD); In silico analysis supports that this missense variant has a deleterious effect on protein structure/function; Identified in a patient with polycystic kidney disease in published literature (PMID: 27499327); This variant is associated with the following publications: (PMID: 22185115, 38707809, 27499327)

PreventionGenetics, part of Exact Sciences
Classification: Likely pathogenic for PKD1-related condition. Last evaluated: 2026-05-26. Review status: criteria provided, single submitter. Criteria: ACMG Guidelines, 2015. Collection method: clinical testing. Allele origin: germline.
Comment: The PKD1 c.7271C>T variant is predicted to result in the amino acid substitution p.Thr2424Met. This variant was reported in an individual with autosomal dominant polycystic kidney disease (ADPKD) (Table 4 of Carrera et al. 2016. PubMed ID: 27499327). The p.Thr2424 residue is highly conserved during evolution. In the same study, a different substitution at the same codon, defined as c.7271C>G (p.Thr2424Arg), was also reported in an individual with ADPKD (Suppl. Table S5 of Carrera et al. 2016. PubMed ID: 27499327). Of note, we have previously found the c.7271C>T (p.Thr2424Met) variant in the heterozygous state in multiple presumably unrelated patients tested for polycystic kidney disease at PreventionGenetics (internal data). This variant has not been reported in a large population database (gnomAD), indicating this variant is rare. This variant is interpreted as likely pathogenic.

Genetics Laboratory, Great Ormond Street Hospital NHS Foundation Trust, North Thames Genomic Laboratory Hub
Classification: Likely pathogenic for Cystic renal disease. Last evaluated: 2026-05-20. Review status: criteria provided, single submitter. Criteria: ACGS Best Practice Guidelines for Variant Classification in Rare Disease 2024 v1.2. Collection method: clinical testing. Allele origin: germline. Affected: yes.
Comment: PS4_moderate, PM2_moderate, PM5_supporting, PP4_supporting

Women's Health and Genetics/Laboratory Corporation of America, LabCorp
Classification: Uncertain significance. Last evaluated: 2026-05-08. Review status: criteria provided, single submitter. Criteria: LabCorp Variant Classification Summary - May 2015. Collection method: clinical testing. Allele origin: germline.
Comment: Variant summary: PKD1 c.7271C>T (p.Thr2424Met) results in a non-conservative amino acid change in the encoded protein sequence. Algorithms developed to predict the effect of missense changes on protein structure and function all suggest that this variant is likely to be disruptive. The frequency data for this variant in gnomAD v4.1 is considered unreliable, as metrics indicate poor data quality at this position. However, the variant was found in 10 of 1598052 chromosomes in gnomAD v4.1. c.7271C>T has been observed in the heterozygous state in individuals affected with autosomal dominant Polycystic Kidney Disease 1 (e.g., Carrera_2016, Lim_2024). These data indicate that the variant may be associated with disease. To our knowledge, no experimental evidence demonstrating an impact on protein function has been reported. The following publications have been ascertained in the context of this evaluation (PMID: 27499327, 22185115, 38707809). ClinVar contains an entry for this variant (Variation ID: 1254605). Based on the evidence outlined above, the variant was classified as VUS-possibly pathogenic.

Victorian Clinical Genetics Services, Murdoch Childrens Research Institute
Classification: Uncertain significance for Polycystic kidney disease, adult type. Last evaluated: 2025-04-15. Review status: criteria provided, single submitter. Criteria: ACMG Guidelines, 2015. Collection method: clinical testing. Allele origin: germline. Affected: yes.
Comment: This variant is classified as VUS-3A. Evidence in support of pathogenic classification: Variant is present in gnomAD <0.001 for a dominant condition (v4: 10 heterozygote(s), 0 homozygote(s)); Missense variant predicted to be damaging by in silico tool(s) or highly conserved with a major amino acid change. Additional information: Variant is predicted to result in a missense amino acid change from Thr to Met; This variant is heterozygous; This gene is associated with autosomal dominant disease. Polycystic kidney disease 1 (MIM#173900) is predominantly caused by monoallelic variants, with rare reports of biallelic variants causing disease (OMIM); Previous reports of pathogenicity are conflicting. This variant has been classified as likely pathogenic and as a VUS by clinical laboratories in ClinVar, and reported in the literature in an individual with renal cysts (PMID: 38707809). This variant has also been reported in one individual within a healthy control cohort (PMID: 22185115); No published segregation evidence has been identified for this variant; No published functional evidence has been identified for this variant; Other missense variant(s) comparable to the one identified in this case have inconclusive previous evidence for pathogenicity. p.(Thr2424Arg) and p.(Thr2424Lys) have been classified as a VUS by clinical laboratories in ClinVar. p.(Thr2424Arg) has also been reported in the literature in an individual with polycystic kidney disease (PMID: 27499327); Variant is located in the annotated REJ domain (DECIPHER); Loss of function is a known mechanism of disease in this gene and is associated with polycystic kidney disease 1 (MIM#173900); Inheritance information for this variant is not currently available in this individual.

Department of Pathology and Laboratory Medicine, Sinai Health System
Classification: Uncertain significance for Polycystic kidney disease, adult type. Last evaluated: 2024-11-26. Review status: criteria provided, single submitter. Criteria: ACMG Guidelines, 2015. Collection method: clinical testing. Allele origin: germline.

Fulgent Genetics
Classification: Likely pathogenic for Polycystic kidney disease, adult type. Last evaluated: 2024-05-17. Review status: criteria provided, single submitter. Criteria: ACMG Guidelines, 2015. Collection method: clinical testing. Allele origin: germline.

Blueprint Genetics
Classification: Likely pathogenic for PKD1-related disorders. Last evaluated: 2022-11-18. Review status: criteria provided, single submitter. Criteria: ACMG Guidelines, 2015. Collection method: clinical testing. Allele origin: germline. Affected: yes. Observed: 4 variant alleles.

Greenwood Genetic Center Diagnostic Laboratories, Greenwood Genetic Center
Classification: Uncertain significance. Last evaluated: 2021-08-06. Review status: criteria provided, single submitter. Criteria: ACMG Guidelines, 2015. Collection method: clinical testing. Allele origin: germline. Affected: yes.
Comment: PP3, PM2, PS4_Supporting

Literature cited by the submitters: PubMed 22185115 (cited by 3 submitters); PubMed 27499327 (cited by 3 submitters); PubMed 38707809 (cited by Women's Health and Genetics/Laboratory Corporation of America, LabCorp and Victorian Clinical Genetics Services, Murdoch Childrens Research Institute).